The following is an entry in ClinVar:

ClinVar aggregate classification (germline): Pathogenic (1 of 4 stars; one submission).

Conditions:
Biotin-responsive basal ganglia disease (BTBGD). Also called: Thiamine metabolism dysfunction syndrome 2 (biotin- or thiamine-responsive encephalopathy type 2); thiamine-responsive encephalopathy; THIAMINE METABOLISM DYSFUNCTION SYNDROME 2 (BIOTIN- AND THIAMINE-RESPONSIVE TYPE); Thiamine metabolism dysfunction syndrome type 2; Thiamine Transporter-2 Deficiency. Identifiers: Orphanet 199348, Orphanet 65284, MedGen C1843807, MONDO:0011841, OMIM 607483.

Submission:

Women's Health and Genetics/Laboratory Corporation of America, LabCorp
Classification: Pathogenic for Biotin-responsive basal ganglia disease. Last evaluated: 2024-08-27. Review status: criteria provided, single submitter. Criteria: LabCorp Variant Classification Summary - May 2015. Collection method: clinical testing. Allele origin: germline.
Comment: Variant summary: The variant involves the deletion of exons 2-6 in the SLC19A3 gene. A presumed nomenclature of c.(-3+1_-2-1)_(*3635_?)del has been designated for the purposes of this classification. This deletion includes the entire coding sequence of the gene. As the exact proximal and distal breakpoints are unknown, it may extend beyond the annotated region of the gene to include other flanking genes. The variant was absent in 20964 control chromosomes. A similar deletion of the entire SLC19A3 gene has been reported in the literature in the homozygous state in at least 1 individual affected with clinical features of Basal ganglia disease, biotin-thiamine-responsive (example, Li_2020). ClinVar contains an entry for a similar variant (Variation ID: 1526958). Based on the evidence outlined above, the variant was classified as pathogenic.

Literature cited by the submitters: PubMed 32679198.

NC_000002.11:g.(?_228548478)_(228567037_228582658)del

Gene: SLC19A3 (solute carrier family 19 member 3; minus strand). Cytogenetic location: 2q36.3.
Variant type: Deletion.
Identifiers: ClinVar variation 3366568 (VCV003366568.1).